The following is an entry in ClinVar:

ClinVar aggregate classification (germline): Uncertain significance (1 of 4 stars; one submission).

Conditions:
Cardiovascular phenotype. Identifiers: MedGen CN230736.

Submission:

Ambry Genetics
Classification: Uncertain significance for Cardiovascular phenotype. Last evaluated: 2024-10-08. Review status: criteria provided, single submitter. Criteria: Ambry Variant Classification Scheme 2023. Collection method: clinical testing. Allele origin: germline.
Comment: The p.G210R variant (also known as c.628G>A), located in coding exon 6 of the TECRL gene, results from a G to A substitution at nucleotide position 628. The glycine at codon 210 is replaced by arginine, an amino acid with dissimilar properties. This amino acid position is conserved. In addition, the in silico prediction for this alteration is inconclusive. Based on the available evidence, the clinical significance of this variant remains unclear.

NM_001010874.5(TECRL):c.628G>A (p.Gly210Arg)

Gene: TECRL (trans-2,3-enoyl-CoA reductase like; minus strand). Cytogenetic location: 4q13.1.
Variant type: single nucleotide variant.
Coding change: c.628G>A on transcript NM_001010874.5 (MANE Select); coding-DNA position 628, G replaced by A.
Protein change: p.Gly210Arg; replaces glycine 210 with arginine.
Molecular consequence: missense variant.
Genome position (GRCh38, 1-based): chr4:64,309,855, C>T on the plus strand (G>A on the coding strand, the complement: TECRL is on the minus strand). VCF-style: chr4-64309855-C-T. GRCh37 (hg19) VCF-style: chr4-65175573-C-T.
Other names: c.628G>A, p.Gly210Arg (NM_001363796.1); short protein forms G210R.
Identifiers: ClinVar variation 3454638 (VCV003454638.1).